The following is an entry in ClinVar:

NM_000038.6(APC):c.4434G>T (p.Arg1478Ser)

Gene: APC (APC regulator of Wnt signaling pathway; plus strand). Cytogenetic location: 5q22.2.
Variant type: single nucleotide variant.
Coding change: c.4434G>T on transcript NM_000038.6 (MANE Select); coding-DNA position 4434, G replaced by T.
Protein change: p.Arg1478Ser; replaces arginine 1478 with serine.
Molecular consequence: missense variant.
Genome position (GRCh38, 1-based): chr5:112,840,028, G>T. VCF-style: chr5-112840028-G-T. GRCh37 (hg19) VCF-style: chr5-112175725-G-T.
Other names: c.4434G>T, p.Arg1478Ser (NM_001127510.3, NM_001354895.2); c.4380G>T, p.Arg1460Ser (NM_001127511.3); c.4488G>T, p.Arg1496Ser (NM_001354896.2); c.4464G>T, p.Arg1488Ser (NM_001354897.2); c.4359G>T, p.Arg1453Ser (NM_001354898.2); c.4350G>T, p.Arg1450Ser (NM_001354899.2); c.4311G>T, p.Arg1437Ser (NM_001354900.2); c.4257G>T, p.Arg1419Ser (NM_001354901.2); and 5 more; short protein forms R1195S, R1318S, R1352S, R1377S, R1387S, R1419S, R1437S, R1450S.
Identifiers: ClinVar variation 1058029 (VCV001058029.10), dbSNP rs786201275, ClinGen allele CA16031039.

ClinVar aggregate classification (germline): Uncertain significance (1 of 4 stars; one submission).

Conditions:
Familial adenomatous polyposis 1 (FAP1). Also called: FAMILIAL ADENOMATOUS POLYPOSIS 1, ATTENUATED; POLYPOSIS, ADENOMATOUS INTESTINAL. Identifiers: MedGen C2713442, MONDO:0021056, OMIM 175100. Disease mechanism: loss of function.

Submission:

Labcorp Genetics (formerly Invitae), Labcorp
Classification: Uncertain significance for Familial adenomatous polyposis 1. Last evaluated: 2020-03-03. Review status: criteria provided, single submitter. Criteria: Invitae Variant Classification Sherloc (09022015). Collection method: clinical testing. Allele origin: germline.
Comment: In summary, the available evidence is currently insufficient to determine the role of this variant in disease. Therefore, it has been classified as a Variant of Uncertain Significance. Algorithms developed to predict the effect of missense changes on protein structure and function are either unavailable or do not agree on the potential impact of this missense change (SIFT: "Deleterious"; PolyPhen-2: "Benign"; Align-GVGD: "Class C0"). This variant has not been reported in the literature in individuals with APC-related conditions. This variant is not present in population databases (ExAC no frequency). This sequence change replaces arginine with serine at codon 1478 of the APC protein (p.Arg1478Ser). The arginine residue is highly conserved and there is a moderate physicochemical difference between arginine and serine.